The following is an entry in ClinVar:

NM_000186.4(CFH):c.2851T>C (p.Tyr951His)

Gene: CFH (complement factor H; plus strand). Cytogenetic location: 1q31.3.
Variant type: single nucleotide variant.
Coding change: c.2851T>C on transcript NM_000186.4 (MANE Select); coding-DNA position 2851, T replaced by C.
Protein change: p.Tyr951His; replaces tyrosine 951 with histidine.
Molecular consequence: missense variant.
Genome position (GRCh38, 1-based): chr1:196,740,687, T>C. VCF-style: chr1-196740687-T-C. GRCh37 (hg19) VCF-style: chr1-196709817-T-C.
Other names: short protein forms Y951H.
Identifiers: ClinVar variation 2202901 (VCV002202901.10), dbSNP rs777049051, ClinGen allele CA1305762.

ClinVar aggregate classification (germline): Uncertain significance. Review status: criteria provided, multiple submitters, no conflicts (2 of 4 stars). 6 submissions from 6 submitters: Uncertain significance (5). 1 of the submissions does not count toward it. Last evaluated 2025-10-02.

Conditions:
CFH-related disorder. Also called: CFH-related condition; CFH-related disorders.
Hemolytic uremic syndrome, atypical, susceptibility to, 1. Also called: AHUS, SUSCEPTIBILITY TO, 1. Identifiers: Orphanet 2134, Orphanet 90038, MedGen C2749604, MONDO:0009335, OMIM 235400. Disease mechanism: Other.
Basal laminar drusen. Also called: DRUSEN OF BRUCH MEMBRANE; DRUSEN, CUTICULAR; DRUSEN, EARLY ADULT-ONSET, GROUPED. Identifiers: Orphanet 75376, MedGen C0730295, MONDO:0007472, OMIM 126700.
Age related macular degeneration 4. Identifiers: MedGen C1853147, MONDO:0012540, OMIM 610698.
Factor H deficiency (CFHD). Also called: COMPLEMENT FACTOR H DEFICIENCY; CFH DEFICIENCY. Identifiers: Orphanet 200421, MedGen C0398777, MONDO:0012350, OMIM 609814.
Atypical hemolytic-uremic syndrome. Identifiers: Orphanet 2134, MedGen C2931788, MONDO:0016244.

Allele frequency attached by ClinVar (database versions not stated): ExAC 0.00001; gnomAD exomes 0.00001; TOPMed 0.00001; gnomAD 0.00002.
gnomAD v4.1: 14 of 1,613,952 alleles (0.00087%); highest among the groups gnomAD compares: East Asian, 0.0022%; no homozygotes.

Submissions (6):

Genomenon, Inc
Classification: Uncertain significance for Atypical hemolytic-uremic syndrome. Last evaluated: 2025-10-02. Review status: criteria provided, single submitter. Criteria: Genomenon Sequence Variant Interpretation Standards - Updated. Collection method: curation. Allele origin: germline. Affected: yes.
Comment: CFH p.Tyr951His (c.2851T>C) is a missense variant that changes the amino acid at residue 951 from Tyrosine to Histidine. This variant has been observed in at least one proband affected with atypical hemolytic-uremic syndrome (PMID:14583443). Functional studies have been reported (PMID:34189567). It is absent or not present at a significant frequency in gnomAD. In silico models agree that this variant is not damaging. In conclusion, we classify CFH p.Tyr951His (c.2851T>C) as a variant of uncertain significance.

GeneDx
Classification: Uncertain significance. Last evaluated: 2025-06-16. Review status: criteria provided, single submitter. Criteria: GeneDx Variant Classification Process June 2021. Collection method: clinical testing. Allele origin: germline. Affected: yes.
Comment: Identified in an individual with hemolytic uremic syndrome in published literature (PMID: 14583443); In silico analysis suggests that this missense variant does not alter protein structure/function; This variant is associated with the following publications: (PMID: 34189567, 14583443)

Women's Health and Genetics/Laboratory Corporation of America, LabCorp
Classification: Uncertain significance. Last evaluated: 2025-05-27. Review status: criteria provided, single submitter. Criteria: LabCorp Variant Classification Summary - May 2015. Collection method: clinical testing. Allele origin: germline.
Comment: Variant summary: CFH c.2851T>C (p.Tyr951His) results in a conservative amino acid change in the encoded protein sequence. Algorithms developed to predict the effect of missense changes on protein structure and function all suggest that this variant is likely to be tolerated. The variant allele was found at a frequency of 1.2e-05 in 251400 control chromosomes. The available data on variant occurrences in the general population are insufficient to allow any conclusion about variant significance. c.2851T>C has been observed in the heterozygous state in at least 1 individual(s) affected with CFH-Related Disorders (example, Caprioli_2006, Caprioli_2003). These data do not allow any conclusion about variant significance. At least one publication reports experimental evidence evaluating an impact on protein function. These results showed no damaging effect of this variant (example, Merinero_2021). The following publications have been ascertained in the context of this evaluation (PMID: 16621965, 14583443, 34189567). ClinVar contains an entry for this variant (Variation ID: 2202901). Based on the evidence outlined above, the variant was classified as uncertain significance.

Labcorp Genetics (formerly Invitae), Labcorp
Classification: Uncertain significance. Last evaluated: 2024-12-09. Review status: criteria provided, single submitter. Criteria: Invitae Variant Classification Sherloc (09022015). Collection method: clinical testing. Allele origin: germline.
Comment: This sequence change replaces tyrosine, which is neutral and polar, with histidine, which is basic and polar, at codon 951 of the CFH protein (p.Tyr951His). This variant is present in population databases (rs777049051, gnomAD 0.01%). This missense change has been observed in individual(s) with hemolytic uremic syndrome (PMID: 14583443). This variant is also known as c.T2924C. ClinVar contains an entry for this variant (Variation ID: 2202901). An algorithm developed to predict the effect of missense changes on protein structure and function outputs the following: PolyPhen-2: "Benign". The histidine amino acid residue is found in multiple mammalian species, which suggests that this missense change does not adversely affect protein function. Experimental studies have shown that this missense change does not substantially affect CFH function (PMID: 34189567). In summary, the available evidence is currently insufficient to determine the role of this variant in disease. Therefore, it has been classified as a Variant of Uncertain Significance.

Fulgent Genetics
Classification: Uncertain significance for Basal laminar drusen; Hemolytic uremic syndrome, atypical, susceptibility to, 1; Factor H deficiency; Age related macular degeneration 4. Last evaluated: 2024-05-13. Review status: criteria provided, single submitter. Criteria: ACMG Guidelines, 2015. Collection method: clinical testing. Allele origin: germline.

PreventionGenetics, part of Exact Sciences
Classification: Uncertain significance for CFH-related condition. Last evaluated: 2024-01-17. Review status: no assertion criteria provided. Collection method: clinical testing. Allele origin: germline. Not counted in ClinVar's aggregate classification.
Comment: The CFH c.2851T>C variant is predicted to result in the amino acid substitution p.Tyr951His. This variant has been reported in individuals with sporadic hemolytic uremic syndrome (Caprioli et al. 2003. PubMed ID: 14583443; Merinero et al. 2021. PubMed ID: 34189567). Of note, in one study this variant was classified as benign based on functional-and expression analyses (Merinero et al, 2021. PubMed ID: 34189567). This variant is reported in 0.0099% of alleles in individuals of Ashkenazi Jewish descent in gnomAD. At this time, the clinical significance of this variant is uncertain due to the absence of conclusive functional and genetic evidence.

Literature cited by the submitters: PubMed 14583443 (cited by 3 submitters); PubMed 34189567 (cited by 3 submitters); PubMed 16621965 (cited by Women's Health and Genetics/Laboratory Corporation of America, LabCorp).